The following is an entry in ClinVar:

NM_000235.4(LIPA):c.245T>C (p.Val82Ala)

Gene: LIPA (lipase A, lysosomal acid type; minus strand). Cytogenetic location: 10q23.31.
Variant type: single nucleotide variant.
Coding change: c.245T>C on transcript NM_000235.4 (MANE Select); coding-DNA position 245, T replaced by C.
Protein change: p.Val82Ala; replaces valine 82 with alanine.
Molecular consequence: missense variant. On other transcripts: 5 prime UTR variant (1).
Genome position (GRCh38, 1-based): chr10:89,228,383, A>G on the plus strand (T>C on the coding strand, the complement: LIPA is on the minus strand). VCF-style: chr10-89228383-A-G. GRCh37 (hg19) VCF-style: chr10-90988140-A-G.
Other names: c.245T>C, p.Val82Ala (NM_001127605.3); c.-104T>C (NM_001288979.2); short protein forms V82A.
Identifiers: ClinVar variation 1416189 (VCV001416189.3), dbSNP rs1298273048, ClinGen allele CA377518126.

ClinVar aggregate classification (germline): Uncertain significance (1 of 4 stars; one submission).

Conditions:
Wolman disease (WOLD). Also called: Wolman disease with hypolipoproteinemia and acanthocytosis; Acid cholesteryl ester hydrolase deficiency, Wolman type; Acid lipase disease; LYSOSOMAL ACID LIPASE DEFICIENCY, ACUTE INFANTILE; LYSOSOMAL ACID LIPASE DEFICIENCY, COMPLETE; LIPA DEFICIENCY, COMPLETE. Identifiers: Orphanet 75233, MedGen C0043208, MONDO:0019148, OMIM 620151.

Allele frequency attached by ClinVar (database versions not stated): gnomAD exomes 0.00001 and below 0.00001; TOPMed 0.00001.

Submission:

Labcorp Genetics (formerly Invitae), Labcorp
Classification: Uncertain significance for Wolman disease. Last evaluated: 2021-10-31. Review status: criteria provided, single submitter. Criteria: Invitae Variant Classification Sherloc (09022015). Collection method: clinical testing. Allele origin: germline.
Comment: This sequence change replaces valine, which is neutral and non-polar, with alanine, which is neutral and non-polar, at codon 82 of the LIPA protein (p.Val82Ala). This variant is present in population databases (no rsID available, gnomAD 0.006%). This variant has not been reported in the literature in individuals affected with LIPA-related conditions. Algorithms developed to predict the effect of missense changes on protein structure and function output the following: SIFT: "Deleterious"; PolyPhen-2: "Possibly Damaging"; Align-GVGD: "Class C55". The alanine amino acid residue is found in multiple mammalian species, which suggests that this missense change does not adversely affect protein function. In summary, the available evidence is currently insufficient to determine the role of this variant in disease. Therefore, it has been classified as a Variant of Uncertain Significance.